The following is an entry in ClinVar:

ClinVar aggregate classification (germline): Uncertain significance (1 of 4 stars; one submission).

Allele frequency attached by ClinVar (database versions not stated): gnomAD exomes below 0.00001; TOPMed 0.00001.
gnomAD v4.1: 3 of 1,614,016 alleles (0.00019%); highest among the groups gnomAD compares: Non-Finnish European, 0.00025%; no homozygotes.

Submission:

Labcorp Genetics (formerly Invitae), Labcorp
Classification: Uncertain significance. Last evaluated: 2021-09-09. Review status: criteria provided, single submitter. Criteria: Invitae Variant Classification Sherloc (09022015). Collection method: clinical testing. Allele origin: germline.
Comment: This sequence change replaces glutamine with lysine at codon 401 of the KRT6B protein (p.Gln401Lys). The glutamine residue is highly conserved and there is a small physicochemical difference between glutamine and lysine. This variant is not present in population databases (ExAC no frequency). This variant has not been reported in the literature in individuals affected with KRT6B-related conditions. Algorithms developed to predict the effect of missense changes on protein structure and function (SIFT, PolyPhen-2, Align-GVGD) all suggest that this variant is likely to be disruptive. In summary, the available evidence is currently insufficient to determine the role of this variant in disease. Therefore, it has been classified as a Variant of Uncertain Significance.

NM_005555.4(KRT6B):c.1201C>A (p.Gln401Lys)

Gene: KRT6B (keratin 6B; minus strand). Cytogenetic location: 12q13.13.
Variant type: single nucleotide variant.
Coding change: c.1201C>A on transcript NM_005555.4 (MANE Select); coding-DNA position 1201, C replaced by A.
Protein change: p.Gln401Lys; replaces glutamine 401 with lysine.
Molecular consequence: missense variant.
Genome position (GRCh38, 1-based): chr12:52,448,844, G>T on the plus strand (C>A on the coding strand, the complement: KRT6B is on the minus strand). VCF-style: chr12-52448844-G-T. GRCh37 (hg19) VCF-style: chr12-52842628-G-T.
Other names: short protein forms Q401K.
Identifiers: ClinVar variation 1401128 (VCV001401128.6), dbSNP rs1366610102, ClinGen allele CA384983021.